The following is an entry in ClinVar:

NM_024675.4(PALB2):c.803A>G (p.Lys268Arg)

Gene: PALB2 (partner and localizer of BRCA2; minus strand). Cytogenetic location: 16p12.2.
Variant type: single nucleotide variant.
Coding change: c.803A>G on transcript NM_024675.4 (MANE Select); coding-DNA position 803, A replaced by G.
Protein change: p.Lys268Arg; replaces lysine 268 with arginine.
Molecular consequence: missense variant.
Genome position (GRCh38, 1-based): chr16:23,635,743, T>C on the plus strand (A>G on the coding strand, the complement: PALB2 is on the minus strand). VCF-style: chr16-23635743-T-C. GRCh37 (hg19) VCF-style: chr16-23647064-T-C.
Other names: short protein forms K268R.
Identifiers: ClinVar variation 924986 (VCV000924986.15), dbSNP rs1967019966, ClinGen allele CA395136011.

ClinVar aggregate classification (germline): Uncertain significance. Review status: criteria provided, multiple submitters, no conflicts (2 of 4 stars). 3 submissions from 3 submitters: Uncertain significance (3). Last evaluated 2023-12-05.

Conditions:
Familial cancer of breast. Also called: BREAST CANCER, FAMILIAL; Hereditary breast cancer; hereditary breast carcinoma. Identifiers: Orphanet 227535, MedGen C0346153, MONDO:0016419, OMIM 114480. Disease mechanism: loss of function.
Hereditary cancer-predisposing syndrome. Also called: Neoplastic Syndromes, Hereditary; Tumor predisposition; Hereditary Cancer Syndrome; Hereditary neoplastic syndrome. Identifiers: Orphanet 140162, MedGen C0027672, MeSH D009386, MONDO:0015356.

Submissions (3):

Color Diagnostics, LLC DBA Color Health
Classification: Uncertain significance for Hereditary cancer-predisposing syndrome. Last evaluated: 2023-12-05. Review status: criteria provided, single submitter. Criteria: ACMG Guidelines, 2015. Collection method: clinical testing. Allele origin: germline.
Comment: This missense variant replaces lysine with arginine at codon 268 of the PALB2 protein. Computational prediction suggests that this variant may not impact protein structure and function (internally defined REVEL score threshold <= 0.5, PMID: 27666373). To our knowledge, functional studies have not been reported for this variant. This variant has not been reported in individuals affected with PALB2-related disorders in the literature. This variant has not been identified in the general population by the Genome Aggregation Database (gnomAD). The available evidence is insufficient to determine the role of this variant in disease conclusively. Therefore, this variant is classified as a Variant of Uncertain Significance.

Labcorp Genetics (formerly Invitae), Labcorp
Classification: Uncertain significance for Familial cancer of breast. Last evaluated: 2020-12-13. Review status: criteria provided, single submitter. Criteria: Invitae Variant Classification Sherloc (09022015). Collection method: clinical testing. Allele origin: germline.
Comment: This sequence change replaces lysine with arginine at codon 268 of the PALB2 protein (p.Lys268Arg). The lysine residue is moderately conserved and there is a small physicochemical difference between lysine and arginine. This variant is not present in population databases (ExAC no frequency). This variant has not been reported in the literature in individuals with PALB2-related conditions. ClinVar contains an entry for this variant (Variation ID: 924986). Algorithms developed to predict the effect of missense changes on protein structure and function (SIFT, PolyPhen-2, Align-GVGD) all suggest that this variant is likely to be tolerated, but these predictions have not been confirmed by published functional studies and their clinical significance is uncertain. Algorithms developed to predict the effect of sequence changes on RNA splicing suggest that this variant may create or strengthen a splice site, but this prediction has not been confirmed by published transcriptional studies. In summary, the available evidence is currently insufficient to determine the role of this variant in disease. Therefore, it has been classified as a Variant of Uncertain Significance.

Ambry Genetics
Classification: Uncertain significance for Hereditary cancer-predisposing syndrome. Last evaluated: 2020-03-09. Review status: criteria provided, single submitter. Criteria: Ambry Variant Classification Scheme 2023. Collection method: clinical testing. Allele origin: germline.
Comment: The p.K268R variant (also known as c.803A>G), located in coding exon 4 of the PALB2 gene, results from an A to G substitution at nucleotide position 803. The lysine at codon 268 is replaced by arginine, an amino acid with highly similar properties. This amino acid position is not well conserved in available vertebrate species. In addition, this alteration is predicted to be tolerated by in silico analysis. Since supporting evidence is limited at this time, the clinical significance of this alteration remains unclear.